The following is an entry in ClinVar:

NM_000368.5(TSC1):c.2075G>A (p.Arg692Gln)

Gene: TSC1 (TSC complex subunit 1; minus strand). Cytogenetic location: 9q34.13.
Variant type: single nucleotide variant.
Coding change: c.2075G>A on transcript NM_000368.5 (MANE Select); coding-DNA position 2075, G replaced by A.
Protein change: p.Arg692Gln; replaces arginine 692 with glutamine.
Molecular consequence: missense variant.
Genome position (GRCh38, 1-based): chr9:132,903,784, C>T on the plus strand (G>A on the coding strand, the complement: TSC1 is on the minus strand). VCF-style: chr9-132903784-C-T. GRCh37 (hg19) VCF-style: chr9-135779171-C-T.
Other names: p.R692Q:CGA>CAA; c.2072G>A, p.Arg691Gln (NM_001162426.2); c.1922G>A, p.Arg641Gln (NM_001162427.2); c.1712G>A, p.Arg571Gln (NM_001362177.2); short protein forms R692Q, R641Q, R691Q, R571Q.
Identifiers: ClinVar variation 41694 (VCV000041694.43), dbSNP rs199755731, ClinGen allele CA005908.

ClinVar aggregate classification (germline): Conflicting classifications of pathogenicity. Review status: criteria provided, conflicting classifications (1 of 4 stars). 15 submissions from 14 submitters: Uncertain significance (1); Benign (5); Likely benign (7). 2 of the submissions do not count toward it. Last evaluated 2026-01-26.

Conditions:
TSC1-related disorder. Also called: TSC1-related condition.
Hereditary cancer-predisposing syndrome. Also called: Tumor predisposition; Neoplastic Syndromes, Hereditary; Hereditary Cancer Syndrome; Hereditary neoplastic syndrome. Identifiers: Orphanet 140162, MedGen C0027672, MeSH D009386, MONDO:0015356.
Isolated focal cortical dysplasia type II (FCORD2). Also called: Focal cortical dysplasia type II; CORTICAL DYSPLASIA OF TAYLOR. Identifiers: Orphanet 268994, MedGen C1846385, MONDO:0011818, OMIM 607341, HP:0032051.
Tuberous sclerosis 1 (TSC1). Identifiers: Orphanet 805, MedGen C1854465, MONDO:0008612, OMIM 191100.
Lymphangiomyomatosis (LAM). Also called: Lymphangioleiomyomatosis; Lymphangioleiomyomatosis, somatic. Identifiers: Orphanet 538, MedGen C0751674, MONDO:0011705, OMIM 606690.
Tuberous sclerosis syndrome (TSC). Also called: Tuberous Sclerosis Complex; Tuberous sclerosis. Identifiers: Orphanet 805, MedGen C0041341, MONDO:0001734.

Allele frequency attached by ClinVar (database versions not stated): gnomAD 0.00011 and 0.00012; gnomAD exomes 0.00017; TOPMed 0.00018; ExAC 0.00019.
gnomAD v4.1: 168 of 1,613,822 alleles (0.01%); highest among the groups gnomAD compares: East Asian, 0.15%; no homozygotes.

Submissions (15):

Labcorp Genetics (formerly Invitae), Labcorp
Classification: Benign for Tuberous sclerosis 1. Last evaluated: 2026-01-26. Review status: criteria provided, single submitter. Criteria: Invitae Variant Classification Sherloc (09022015). Collection method: clinical testing. Allele origin: germline.

CeGaT Center for Human Genetics Tuebingen
Classification: Likely benign. Last evaluated: 2025-08-01. Review status: criteria provided, single submitter. Criteria: CeGaT Center For Human Genetics Tuebingen Variant Classification Criteria Version 2. Collection method: clinical testing. Allele origin: germline. Affected: yes. Observed: 1 variant allele.
Comment: TSC1: PP2, BS1

Myriad Genetics, Inc.
Classification: Benign for Tuberous sclerosis 1. Last evaluated: 2024-11-01. Review status: criteria provided, single submitter. Criteria: Myriad Autosomal Dominant, Autosomal Recessive and X-Linked Classification Criteria (2023). Collection method: clinical testing. Allele origin: unknown.
Comment: This variant is considered benign. This variant has been observed at a population frequency that is significantly greater than expected given the associated disease prevalence and penetrance. Homozygosity has been confirmed in one or more individuals. As homozygosity for pathogenic variants in this gene is generally assumed to result in embryonic lethality, this variant is unlikely to be pathogenic.

Blueprint Genetics
Classification: Likely benign. Last evaluated: 2024-03-05. Review status: criteria provided, single submitter. Criteria: ACMG Guidelines, 2015. Collection method: clinical testing. Allele origin: germline.

Color Diagnostics, LLC DBA Color Health
Classification: Likely benign for Tuberous sclerosis syndrome. Last evaluated: 2022-08-10. Review status: criteria provided, single submitter. Criteria: ACMG Guidelines, 2015. Collection method: clinical testing. Allele origin: germline.

Genome-Nilou Lab
Classification: Benign for Tuberous sclerosis 1. Last evaluated: 2021-11-07. Review status: criteria provided, single submitter. Criteria: ACMG Guidelines, 2015. Collection method: clinical testing. Allele origin: germline. Affected: no.

Sema4
Classification: Benign for Hereditary cancer-predisposing syndrome. Last evaluated: 2021-02-09. Review status: criteria provided, single submitter. Criteria: Sema4 Curation Guidelines. Collection method: curation. Allele origin: germline.

Division of Genomic Medicine, Department of Advanced Medicine, Medical Research Institute, Kanazawa Medical University
Classification: Likely benign for Tuberous sclerosis 1. Last evaluated: 2020-07-10. Review status: criteria provided, single submitter. Criteria: ACMG Guidelines, 2015. Collection method: clinical testing. Allele origin: germline. Affected: yes. Observed: 1 variant allele.

GeneDx
Classification: Benign. Last evaluated: 2020-01-13. Review status: criteria provided, single submitter. Criteria: GeneDx Variant Classification Process June 2021. Collection method: clinical testing. Allele origin: germline. Affected: yes.
Comment: This variant is associated with the following publications: (PMID: 22703879)

Ambry Genetics
Classification: Likely benign for Hereditary cancer-predisposing syndrome. Last evaluated: 2018-09-29. Review status: criteria provided, single submitter. Criteria: Ambry Variant Classification Scheme 2023. Collection method: clinical testing. Allele origin: germline.

Fulgent Genetics
Classification: Uncertain significance for Tuberous sclerosis 1; Lymphangiomyomatosis; Isolated focal cortical dysplasia type II. Last evaluated: 2017-05-23. Review status: criteria provided, single submitter. Criteria: ACMG Guidelines, 2015. Collection method: clinical testing. Allele origin: unknown.

Illumina Laboratory Services, Illumina
Classification: Likely benign for Isolated focal cortical dysplasia type II. Last evaluated: 2017-04-27. Review status: criteria provided, single submitter. Criteria: ICSL Variant Classification Criteria 13 December 2019. Collection method: clinical testing. Allele origin: germline.
Comment: This variant was observed as part of a predisposition screen in an ostensibly healthy population. A literature search was performed for the gene, cDNA change, and amino acid change (where applicable). No publications were found based on this search. Allele frequency data from public databases allowed determination this variant is unlikely to cause disease. Therefore, this variant is classified as likely benign.

Illumina Laboratory Services, Illumina
Classification: Likely benign for Tuberous sclerosis 1. Last evaluated: 2017-04-27. Review status: criteria provided, single submitter. Criteria: ICSL Variant Classification Criteria 13 December 2019. Collection method: clinical testing. Allele origin: germline.
Comment: This variant was observed as part of a predisposition screen in an ostensibly healthy population. A literature search was performed for the gene, cDNA change, and amino acid change (where applicable). Publications were found based on this search. The evidence from the literature, in combination with allele frequency data from public databases where available, was sufficient to determine this variant is unlikely to cause disease. Therefore, this variant is classified as likely benign.

PreventionGenetics, part of Exact Sciences
Classification: Likely benign for TSC1-related condition. Last evaluated: 2020-10-12. Review status: no assertion criteria provided. Collection method: clinical testing. Allele origin: germline. Not counted in ClinVar's aggregate classification.
Comment: This variant is classified as likely benign based on ACMG/AMP sequence variant interpretation guidelines (Richards et al. 2015 PMID: 25741868, with internal and published modifications).

Biesecker Lab/Clinical Genomics Section, National Institutes of Health
Classification: Uncertain significance. Last evaluated: 2012-07-13. Review status: no assertion criteria provided. Collection method: research. Allele origin: germline. Affected: no. Observed: 1 variant allele. Study: ClinSeq. Not counted in ClinVar's aggregate classification.
ClinVar note: Converted during submission from variant of unknown significance to Uncertain significance.

Literature cited by the submitters: PubMed 24633152 (cited by Illumina Laboratory Services, Illumina); PubMed 12111193 (cited by Illumina Laboratory Services, Illumina).